The following is an entry in ClinVar:

ClinVar aggregate classification (germline): Likely benign (0 of 4 stars; one submission).

Conditions:
PKD1L1-related disorder. Also called: PKD1L1-related condition.

gnomAD v4.1: 17 of 1,613,950 alleles (0.0011%); highest among the groups gnomAD compares: African/African-American, 0.02%; no homozygotes.

Submission:

PreventionGenetics, part of Exact Sciences
Classification: Likely benign for PKD1L1-related condition. Last evaluated: 2024-08-07. Review status: no assertion criteria provided. Collection method: clinical testing. Allele origin: germline.
Comment: This variant is classified as likely benign based on ACMG/AMP sequence variant interpretation guidelines (Richards et al. 2015 PMID: 25741868, with internal and published modifications).

NM_138295.5(PKD1L1):c.8532A>C (p.Ala2844=)

Gene: PKD1L1 (polycystin 1 like 1, transient receptor potential channel interacting; minus strand). Cytogenetic location: 7p12.3.
Variant type: single nucleotide variant.
Coding change: c.8532A>C on transcript NM_138295.5 (MANE Select); coding-DNA position 8532, A replaced by C.
Protein change: p.Ala2844=; no amino-acid change (alanine 2844 retained).
Molecular consequence: synonymous variant.
Genome position (GRCh38, 1-based): chr7:47,775,161, T>G on the plus strand (A>C on the coding strand, the complement: PKD1L1 is on the minus strand). VCF-style: chr7-47775161-T-G. GRCh37 (hg19) VCF-style: chr7-47814759-T-G.
Identifiers: ClinVar variation 3356594 (VCV003356594.1).